The following is an entry in ClinVar:

ClinVar aggregate classification (germline): Likely benign (1 of 4 stars; one submission).

Submission:

Biesecker Lab/Clinical Genomics Section, National Institutes of Health
Classification: Likely benign. Last evaluated: 2013-06-24. Review status: criteria provided, single submitter. Criteria: Ng et al. (Circ Cardiovasc Genet. 2013). Collection method: research. Allele origin: unknown. Observed: 2 variant alleles. Study: ClinSeq.
Comment: The study set was not selected for affection status in relation to any cancer. Pathogenicity categories were based on literature curation. See Pubmed ID:23861362 for details.

Medical sequencing

NM_001267550.2(TTN):c.37378G>T (p.Val12460Leu)

Gene: TTN (titin; minus strand). Cytogenetic location: 2q31.2.
Variant type: single nucleotide variant.
Coding change: c.37378G>T on transcript NM_001267550.2 (MANE Select); coding-DNA position 37378, G replaced by T.
Protein change: p.Val12460Leu; replaces valine 12460 with leucine.
Molecular consequence: missense variant. On other transcripts: intron variant (3).
Genome position (GRCh38, 1-based): chr2:178,659,080, C>A on the plus strand (G>T on the coding strand, the complement: TTN is on the minus strand). VCF-style: chr2-178659080-C-A. GRCh37 (hg19) VCF-style: chr2-179523807-C-A.
Other names: c.34447G>T, p.Val11483Leu (NM_001256850.1); c.31666G>T, p.Val10556Leu (NM_133378.4); c.13283-16763G>T (NM_003319.4); c.13859-16763G>T (NM_133437.4); c.13658-16763G>T (NM_133432.3); short protein forms V10556L, V12460L, V11483L.
Identifiers: ClinVar variation 192170 (VCV000192170.1), dbSNP rs202241329, ClinGen allele CA238507.